The following is an entry in ClinVar:

NM_000030.3(AGXT):c.482G>A (p.Gly161Asp)

Gene: AGXT (alanine--glyoxylate aminotransferase; plus strand). Cytogenetic location: 2q37.3.
Variant type: single nucleotide variant.
Coding change: c.482G>A on transcript NM_000030.3 (MANE Select); coding-DNA position 482, G replaced by A.
Protein change: p.Gly161Asp; replaces glycine 161 with aspartic acid.
Molecular consequence: missense variant.
Genome position (GRCh38, 1-based): chr2:240,871,407, G>A. VCF-style: chr2-240871407-G-A. GRCh37 (hg19) VCF-style: chr2-241810824-G-A.
Other names: short protein forms G161D.
Identifiers: ClinVar variation 2681169 (VCV002681169.2), dbSNP rs1559568801, ClinGen allele CA351315966.

ClinVar aggregate classification (germline): Likely pathogenic. Review status: criteria provided, multiple submitters, no conflicts (2 of 4 stars). 2 submissions from 2 submitters: Likely pathogenic (2). Last evaluated 2026-01-19.

Conditions:
Primary hyperoxaluria, type I (HP1). Also called: OXALOSIS I; Primary hyperoxaluria type 1; GLYCOLIC ACIDURIA; HEPATIC AGT DEFICIENCY. Identifiers: Orphanet 416, Orphanet 93598, MedGen C0268164, MONDO:0009823, OMIM 259900. Disease mechanism: loss of function.

Submissions (2):

Victorian Clinical Genetics Services, Murdoch Childrens Research Institute
Classification: Likely pathogenic for Primary hyperoxaluria, type I. Last evaluated: 2026-01-19. Review status: criteria provided, single submitter. Criteria: ACMG Guidelines, 2015. Collection method: clinical testing. Allele origin: germline. Affected: no.
Comment: This variant is classified as Likely pathogenic. Evidence in support of pathogenic classification: Variant is absent from gnomAD (v2, v3 and v4); This variant has limited previous evidence of pathogenicity in an unrelated individual(s). This variant has been reported in the literature in an assumed compound heterozygous individual with primary hyperoxaluria type 1 (PMID: 24385516). - Other missense variant(s) comparable to the one identified in this case have very strong previous evidence for pathogenicity. p.(Gly161Cys) and p.(Gly161Ser) are classified as pathogenic by multiple clinical laboratories in ClinVar. p.(Gly161Arg) has been classified as likely pathogenic once in ClinVar; Missense variant predicted to be damaging by in silico tool(s) or highly conserved with a major amino acid change. Additional information: Variant is predicted to result in a missense amino acid change from Gly to Asp; This variant is heterozygous; This gene is associated with autosomal recessive disease; Alternative amino acid change(s) at the same position are present in gnomAD (highest allele count: v4: 18 heterozygote(s), 0 homozygote(s)); No published evidence of segregation with disease has been identified for this variant; No published functional evidence has been identified for this variant; Variant is located in the annotated aminotransferase class-V domain (DECIPHER). - Loss of function is a known mechanism of disease in this gene and is associated with primary hyperoxaluria type 1 (MIM#259900); Variants in this gene are known to have variable expressivity (PMID: 20301460); Parental origin of the variant is unresolved.

Clinical Biochemistry Laboratory, Health Services Laboratory
Classification: Likely pathogenic for Primary hyperoxaluria, type I. Last evaluated: 2023-10-27. Review status: criteria provided, single submitter. Criteria: ACMG Guidelines, 2015. Collection method: curation. Allele origin: germline. Affected: yes.
Comment: ACMG:PM2 PM3 PM5 PP3

Literature cited by the submitters: PubMed 20301460 (cited by Victorian Clinical Genetics Services, Murdoch Childrens Research Institute); PubMed 24385516 (cited by Victorian Clinical Genetics Services, Murdoch Childrens Research Institute and Clinical Biochemistry Laboratory, Health Services Laboratory).